The following is an entry in ClinVar:

ClinVar aggregate classification (germline): Uncertain significance (1 of 4 stars; one submission).

Conditions:
Trichorhinophalangeal syndrome, type III (TRPS3). Also called: SUGIO-KAJII SYNDROME. Identifiers: Orphanet 77258, MedGen C1860823, OMIM 190351, MONDO:0008597.
Trichorhinophalangeal dysplasia type I (TRPS1). Also called: TRICHORHINOPHALANGEAL SYNDROME, TYPE I; TRPS I. Identifiers: Orphanet 77258, MedGen C0432233, MONDO:0008596, OMIM 190350.

Submission:

Labcorp Genetics (formerly Invitae), Labcorp
Classification: Uncertain significance for Trichorhinophalangeal syndrome, type III; Trichorhinophalangeal dysplasia type I. Last evaluated: 2025-09-22. Review status: criteria provided, single submitter. Criteria: Invitae Variant Classification Sherloc (09022015). Collection method: clinical testing. Allele origin: germline.
Comment: This sequence change replaces glycine, which is neutral and non-polar, with aspartic acid, which is acidic and polar, at codon 934 of the TRPS1 protein (p.Gly934Asp). This variant is not present in population databases (gnomAD no frequency). This variant has not been reported in the literature in individuals affected with TRPS1-related conditions. Invitae Evidence Modeling of protein sequence and biophysical properties (such as structural, functional, and spatial information, amino acid conservation, physicochemical variation, residue mobility, and thermodynamic stability) indicates that this missense variant is expected to disrupt TRPS1 protein function with a positive predictive value of 80%. In summary, the available evidence is currently insufficient to determine the role of this variant in disease. Therefore, it has been classified as a Variant of Uncertain Significance.

NM_014112.5(TRPS1):c.2801G>A (p.Gly934Asp)

Gene: TRPS1 (transcriptional repressor GATA binding 1; minus strand). Cytogenetic location: 8q23.3.
Variant type: single nucleotide variant.
Coding change: c.2801G>A on transcript NM_014112.5 (MANE Select); coding-DNA position 2801, G replaced by A.
Protein change: p.Gly934Asp; replaces glycine 934 with aspartic acid.
Molecular consequence: missense variant.
Genome position (GRCh38, 1-based): chr8:115,418,352, C>T on the plus strand (G>A on the coding strand, the complement: TRPS1 is on the minus strand). VCF-style: chr8-115418352-C-T. GRCh37 (hg19) VCF-style: chr8-116430580-C-T.
Other names: c.2774G>A, p.Gly925Asp (NM_001282902.3); c.2780G>A, p.Gly927Asp (NM_001282903.3); c.2762G>A, p.Gly921Asp (NM_001330599.2); short protein forms G925D, G927D, G921D, G934D.
Identifiers: ClinVar variation 4783125 (VCV004783125.1).
Genomic context (GRCh38, chr8:115,418,352, plus strand): 5'-TATAAAGCTTTTCCTGAAAGAGTGGAACAAGTTCTTACCGAGTGAAGCTTCTGGTAGAGG[C>T]CACACGCGTTGCATACATATCCGCCATTTGCATTCTTTCGCCAGAGAGAGGTCTTTGTGG-3'
Protein context (NP_054831.2, residues 924-944): ANGGYVCNAC[Gly934Asp]LYQKLHSTPR